The following is an entry in ClinVar:

NM_001018005.2(TPM1):c.115-5C>G

Gene: TPM1 (tropomyosin 1; plus strand). Cytogenetic location: 15q22.2.
Variant type: single nucleotide variant.
Coding change: c.115-5C>G on transcript NM_001018005.2 (MANE Select); 5 bases into the intron before coding-DNA position 115, C replaced by G.
Molecular consequence: intron variant.
Genome position (GRCh38, 1-based): chr15:63,044,022, C>G. VCF-style: chr15-63044022-C-G. GRCh37 (hg19) VCF-style: chr15-63336221-C-G.
Other names: c.241-5C>G (NM_001365778.1); c.240+191C>G (NM_001018020.2, NM_001018007.2, NM_001301244.2); c.115-5C>G (NM_001018006.2, NM_001365776.1, NM_001018004.2 and 3 more transcripts).
Identifiers: ClinVar variation 454414 (VCV000454414.11), dbSNP rs753196985, ClinGen allele CA027731.

ClinVar aggregate classification (germline): Conflicting classifications of pathogenicity. Review status: criteria provided, conflicting classifications (1 of 4 stars). 4 submissions from 4 submitters: Uncertain significance (2); Likely benign (2). Last evaluated 2025-01-13.

Conditions:
Cardiomyopathy (CMYO). Also called: Cardiomyopathies. Identifiers: Orphanet 167848, MedGen C0878544, MONDO:0004994, HP:0001638. Inheritance: Various modes of inheritance.
Dilated cardiomyopathy 1Y (CMD1Y). Identifiers: Orphanet 154, Orphanet 54260, MedGen C2678476, MONDO:0012744, OMIM 611878.
Hypertrophic cardiomyopathy 3. Also called: TPM1-Related Familial Hypertrophic Cardiomyopathy. Identifiers: MedGen C1861863, MONDO:0007267, OMIM 115196.
Hypertrophic cardiomyopathy. Also called: HYPERTROPHIC MYOCARDIOPATHY. Identifiers: Orphanet 217569, MedGen C0007194, MeSH D002312, MONDO:0005045, HP:0001639.

Allele frequency attached by ClinVar (database versions not stated): ExAC 0.00001; gnomAD exomes 0.00001; TOPMed 0.00002.
gnomAD v4.1: 5 of 1,613,724 alleles (0.00031%); highest among the groups gnomAD compares: Admixed American, 0.0067%; no homozygotes.

Submissions (4):

Color Diagnostics, LLC DBA Color Health
Classification: Likely benign for Cardiomyopathy. Last evaluated: 2025-01-13. Review status: criteria provided, single submitter. Criteria: ACMG Guidelines, 2015. Collection method: clinical testing. Allele origin: germline.

Labcorp Genetics (formerly Invitae), Labcorp
Classification: Likely benign for Hypertrophic cardiomyopathy. Last evaluated: 2024-02-24. Review status: criteria provided, single submitter. Criteria: Invitae Variant Classification Sherloc (09022015). Collection method: clinical testing. Allele origin: germline.

All of Us Research Program, National Institutes of Health
Classification: Uncertain significance for Hypertrophic cardiomyopathy. Last evaluated: 2023-06-28. Review status: criteria provided, single submitter. Criteria: ACMG Guidelines, 2015. Collection method: clinical testing. Allele origin: germline. Inheritance: Autosomal dominant inheritance. Observed: 1 variant allele, 1 heterozygote.
Comment: This study involves interpretation of variants in research participants for the purpose of population health screening. Participant phenotype was not available at the time of variant classification. Additional details can be found in publication PMID: 35346344, PMCID: PMC8962531

Fulgent Genetics
Classification: Uncertain significance for Hypertrophic cardiomyopathy 3; Dilated cardiomyopathy 1Y. Last evaluated: 2021-09-13. Review status: criteria provided, single submitter. Criteria: ACMG Guidelines, 2015. Collection method: clinical testing. Allele origin: unknown.